The following is an entry in ClinVar:

ClinVar aggregate classification (germline): Uncertain significance. Review status: criteria provided, multiple submitters, no conflicts (2 of 4 stars). 2 submissions from 2 submitters: Uncertain significance (2). Last evaluated 2026-01-05.

Conditions:
Kostmann syndrome (SCN3). Also called: KOSTMANN DISEASE; Autosomal recessive severe congenital neutropenia type 3. Identifiers: Orphanet 99749, MedGen C5235141, MONDO:0012548, OMIM 610738.
Inborn genetic diseases. Identifiers: MedGen C0950123, MeSH D030342.

Submissions (2):

Labcorp Genetics (formerly Invitae), Labcorp
Classification: Uncertain significance for Kostmann syndrome. Last evaluated: 2026-01-05. Review status: criteria provided, single submitter. Criteria: Invitae Variant Classification Sherloc (09022015). Collection method: clinical testing. Allele origin: germline.
Comment: This sequence change replaces glycine, which is neutral and non-polar, with serine, which is neutral and polar, at codon 80 of the HAX1 protein (p.Gly80Ser). This variant is not present in population databases (gnomAD no frequency). This variant has not been reported in the literature in individuals affected with HAX1-related conditions. ClinVar contains an entry for this variant (Variation ID: 3856897). Invitae Evidence Modeling of protein sequence and biophysical properties (such as structural, functional, and spatial information, amino acid conservation, physicochemical variation, residue mobility, and thermodynamic stability) indicates that this missense variant is not expected to disrupt HAX1 protein function with a negative predictive value of 80%. In summary, the available evidence is currently insufficient to determine the role of this variant in disease. Therefore, it has been classified as a Variant of Uncertain Significance.

Ambry Genetics
Classification: Uncertain significance for Inborn genetic diseases. Last evaluated: 2025-02-24. Review status: criteria provided, single submitter. Criteria: Ambry Variant Classification Scheme 2023. Collection method: clinical testing. Allele origin: germline.
Comment: The p.G80S variant (also known as c.238G>A), located in coding exon 2 of the HAX1 gene, results from a G to A substitution at nucleotide position 238. The glycine at codon 80 is replaced by serine, an amino acid with similar properties. This amino acid position is conserved. In addition, this alteration is predicted to be tolerated by in silico analysis. Based on the available evidence, the clinical significance of this variant remains unclear.

NM_006118.4(HAX1):c.238G>A (p.Gly80Ser)

Gene: HAX1 (HCLS1 associated protein X-1; plus strand). Cytogenetic location: 1q21.3.
Variant type: single nucleotide variant.
Coding change: c.238G>A on transcript NM_006118.4 (MANE Select); coding-DNA position 238, G replaced by A.
Protein change: p.Gly80Ser; replaces glycine 80 with serine.
Molecular consequence: missense variant.
Genome position (GRCh38, 1-based): chr1:154,273,520, G>A. VCF-style: chr1-154273520-G-A. GRCh37 (hg19) VCF-style: chr1-154245996-G-A.
Other names: c.94G>A, p.Gly32Ser (NM_001018837.2); short protein forms G80S, G32S.
Identifiers: ClinVar variation 3856897 (VCV003856897.2).